The following is an entry in ClinVar:

ClinVar aggregate classification (germline): Benign. Review status: criteria provided, multiple submitters, no conflicts (2 of 4 stars). 2 submissions from 2 submitters: Benign (2). Last evaluated 2018-06-14.

Allele frequency attached by ClinVar (database versions not stated): gnomAD 0.30253 and 0.30603; TOPMed 0.32122; 1000 Genomes Project 0.36681; 1000 Genomes Project 30x 0.36774.
gnomAD v4.1: 46,415 of 152,076 alleles (31%); highest among the groups gnomAD compares: East Asian, 47%; 7,384 homozygotes.

Submissions (2):

GeneDx
Classification: Benign. Last evaluated: 2018-06-14. Review status: criteria provided, single submitter. Criteria: GeneDx Variant Classification (06012015). Collection method: clinical testing. Allele origin: germline. Affected: yes.
Comment: This variant is considered likely benign or benign based on one or more of the following criteria: it is a conservative change, it occurs at a poorly conserved position in the protein, it is predicted to be benign by multiple in silico algorithms, and/or has population frequency not consistent with disease.

Breakthrough Genomics
Classification: Benign. Review status: criteria provided, single submitter. Criteria: ACMG Guidelines, 2015. Collection method: not provided. Allele origin: germline. Inheritance: Autosomal recessive inheritance. Affected: yes.

NM_006420.3(ARFGEF2):c.1525+160T>C

Gene: ARFGEF2 (ARF guanine nucleotide exchange factor 2; plus strand). Cytogenetic location: 20q13.13.
Variant type: single nucleotide variant.
Coding change: c.1525+160T>C on transcript NM_006420.3 (MANE Select); 160 bases into the intron after coding-DNA position 1525, T replaced by C.
Molecular consequence: intron variant.
Genome position (GRCh38, 1-based): chr20:48,972,585, T>C. VCF-style: chr20-48972585-T-C. GRCh37 (hg19) VCF-style: chr20-47589122-T-C.
Identifiers: ClinVar variation 678157 (VCV000678157.2), dbSNP rs2273102, ClinGen allele CA15969346.